The following is an entry in ClinVar:

NM_080732.4(EGLN2):c.1067A>G (p.Asn356Ser)

Genes: EGLN2 (egl-9 family hypoxia inducible factor 2; plus strand), RAB4B-EGLN2 (RAB4B-EGLN2 readthrough (NMD candidate); plus strand). Cytogenetic location: 19q13.2.
Variant type: single nucleotide variant.
Coding change: c.1067A>G on transcript NM_080732.4 (MANE Select); coding-DNA position 1067, A replaced by G.
Protein change: p.Asn356Ser; replaces asparagine 356 with serine.
Molecular consequence: missense variant. On other transcripts: non-coding transcript variant (1).
Genome position (GRCh38, 1-based): chr19:40,807,241, A>G. VCF-style: chr19-40807241-A-G. GRCh37 (hg19) VCF-style: chr19-41313146-A-G.
Other names: c.1067A>G, p.Asn356Ser (NM_053046.4); short protein forms N356S.
Identifiers: ClinVar variation 2560615 (VCV002560615.2), dbSNP rs1599763728, ClinGen allele CA405956605.

ClinVar aggregate classification (germline): Uncertain significance (1 of 4 stars; one submission).

Submission:

Ambry Genetics
Classification: Uncertain significance. Last evaluated: 2023-05-19. Review status: criteria provided, single submitter. Criteria: Ambry Variant Classification Scheme 2023. Collection method: clinical testing. Allele origin: germline.
Comment: The p.N356S variant (also known as c.1067A>G), located in coding exon 3 of the EGLN2 gene, results from an A to G substitution at nucleotide position 1067. The asparagine at codon 356 is replaced by serine, an amino acid with highly similar properties. This amino acid position is conserved. In addition, this alteration is predicted to be tolerated by in silico analysis. Since supporting evidence is limited at this time, the clinical significance of this alteration remains unclear.